The following is an entry in ClinVar:

ClinVar aggregate classification (germline): Uncertain significance. Review status: criteria provided, multiple submitters, no conflicts (2 of 4 stars). 4 submissions from 4 submitters: Uncertain significance (3). 1 of the submissions does not count toward it. Last evaluated 2024-04-24.

Conditions:
Primary ciliary dyskinesia. Also called: Ciliary dyskinesia. Identifiers: Orphanet 244, MedGen C0008780, MONDO:0016575, HP:0012265.

Allele frequency attached by ClinVar (database versions not stated): TOPMed 0.00003; gnomAD exomes 0.00002; ESP Exome Variant Server 0.00008; ExAC 0.00001.
gnomAD v4.1: 108 of 1,613,988 alleles (0.0067%); highest among the groups gnomAD compares: Non-Finnish European, 0.0092%; no homozygotes.

Submissions (4):

Molecular Genetics McLendon Clinical Laboratories, University of North Carolina at Chapel Hill
Classification: Uncertain significance for Primary ciliary dyskinesia. Last evaluated: 2024-04-24. Review status: criteria provided, single submitter. Criteria: ACMG Guidelines, 2015. Collection method: clinical testing. Allele origin: germline.

Labcorp Genetics (formerly Invitae), Labcorp
Classification: Uncertain significance for Primary ciliary dyskinesia. Last evaluated: 2021-09-15. Review status: criteria provided, single submitter. Criteria: Invitae Variant Classification Sherloc (09022015). Collection method: clinical testing. Allele origin: germline.
Comment: This sequence change replaces phenylalanine with leucine at codon 3895 of the DNAH5 protein (p.Phe3895Leu). The phenylalanine residue is highly conserved and there is a small physicochemical difference between phenylalanine and leucine. This variant is present in population databases (rs149892711, ExAC 0.001%). This variant has not been reported in the literature in individuals affected with DNAH5-related conditions. Algorithms developed to predict the effect of missense changes on protein structure and function are either unavailable or do not agree on the potential impact of this missense change (SIFT: "Deleterious"; PolyPhen-2: "Benign"; Align-GVGD: "Class C15"). In summary, the available evidence is currently insufficient to determine the role of this variant in disease. Therefore, it has been classified as a Variant of Uncertain Significance.

Ambry Genetics
Classification: Uncertain significance for Primary ciliary dyskinesia. Last evaluated: 2015-08-18. Review status: criteria provided, single submitter. Criteria: Ambry Variant Classification Scheme 2023. Collection method: clinical testing. Allele origin: germline.
Comment: The p.F3895L variant (also known as c.11685C>G), located in coding exon 68 of the DNAH5 gene, results from a C to G substitution at nucleotide position 11685. The phenylalanine at codon 3895 is replaced by leucine, an amino acid with highly similar properties. This variant was previously reported in the SNPDatabase as rs149892711. Based on data from the NHLBI Exome Sequencing Project (ESP), the G allele has an overall frequency of approximately 0.01% (1/13006) total alleles studied and 0.01% (1/8600) European American alleles. This amino acid position is highly conserved in available vertebrate species. In addition, the in silico prediction for this alteration is inconclusive. Since supporting evidence is limited at this time, the clinical significance of this variant remains unclear.

Natera, Inc.
Classification: Uncertain significance for Primary ciliary dyskinesia. Last evaluated: 2019-10-28. Review status: no assertion criteria provided. Collection method: clinical testing. Allele origin: germline. Not counted in ClinVar's aggregate classification.

NM_001369.3(DNAH5):c.11685C>G (p.Phe3895Leu)

Gene: DNAH5 (dynein axonemal heavy chain 5; minus strand). Cytogenetic location: 5p15.2.
Variant type: single nucleotide variant.
Coding change: c.11685C>G on transcript NM_001369.3 (MANE Select); coding-DNA position 11685, C replaced by G.
Protein change: p.Phe3895Leu; replaces phenylalanine 3895 with leucine.
Molecular consequence: missense variant.
Genome position (GRCh38, 1-based): chr5:13,735,207, G>C on the plus strand (C>G on the coding strand, the complement: DNAH5 is on the minus strand). VCF-style: chr5-13735207-G-C. GRCh37 (hg19) VCF-style: chr5-13735316-G-C.
Other names: short protein forms F3895L.
Identifiers: ClinVar variation 525227 (VCV000525227.10), dbSNP rs149892711, ClinGen allele CA3201875.